The following is an entry in ClinVar:

ClinVar aggregate classification (germline): Uncertain significance (1 of 4 stars; one submission).

Conditions:
Candidiasis, familial, 8 (CANDF8). Identifiers: Orphanet 1334, MedGen C3714992, MONDO:0014230, OMIM 615527.

Allele frequency attached by ClinVar (database versions not stated): gnomAD exomes below 0.00001; TOPMed 0.00001.
gnomAD v4.1: 1 of 1,599,520 alleles (0.000063%); highest among the groups gnomAD compares: Admixed American, 0.0017%; no homozygotes.

Submission:

Labcorp Genetics (formerly Invitae), Labcorp
Classification: Uncertain significance for Candidiasis, familial, 8. Last evaluated: 2024-07-22. Review status: criteria provided, single submitter. Criteria: Invitae Variant Classification Sherloc (09022015). Collection method: clinical testing. Allele origin: germline.
Comment: This sequence change falls in intron 7 of the TRAF3IP2 gene. It does not directly change the encoded amino acid sequence of the TRAF3IP2 protein. This variant is present in population databases (no rsID available, gnomAD 0.003%). This variant has not been reported in the literature in individuals affected with TRAF3IP2-related conditions. ClinVar contains an entry for this variant (Variation ID: 1929578). Algorithms developed to predict the effect of sequence changes on RNA splicing suggest that this variant may disrupt the consensus splice site. In summary, the available evidence is currently insufficient to determine the role of this variant in disease. Therefore, it has been classified as a Variant of Uncertain Significance.

NM_147686.4(TRAF3IP2):c.1477-13T>A

Genes: TRAF3IP2 (TRAF3 interacting protein 2; minus strand), TRAF3IP2-AS1 (TRAF3IP2 antisense RNA 1; plus strand). Cytogenetic location: 6q21.
Variant type: single nucleotide variant.
Coding change: c.1477-13T>A on transcript NM_147686.4 (MANE Select); 13 bases into the intron before coding-DNA position 1477, T replaced by A.
Molecular consequence: intron variant.
Genome position (GRCh38, 1-based): chr6:111,563,052, A>T on the plus strand (T>A on the coding strand, the complement: TRAF3IP2 is on the minus strand). VCF-style: chr6-111563052-A-T. GRCh37 (hg19) VCF-style: chr6-111884255-A-T.
Other names: c.1474-13T>A (NM_001164281.3); c.1504-13T>A (NM_147200.3); c.109-13T>A (NM_001164283.3).
Identifiers: ClinVar variation 1929578 (VCV001929578.4), dbSNP rs1350416442, ClinGen allele CA569619742.